The following is an entry in ClinVar:

ClinVar aggregate classification (germline): Uncertain significance. Review status: criteria provided, multiple submitters, no conflicts (2 of 4 stars). 3 submissions from 3 submitters: Uncertain significance (3). Last evaluated 2026-01-09.

Allele frequency attached by ClinVar (database versions not stated): ExAC 0.00001; gnomAD 0.00001; gnomAD exomes 0.00001.
gnomAD v4.1: 8 of 1,613,374 alleles (0.0005%); highest among the groups gnomAD compares: Middle Eastern, 0.016%; no homozygotes.

Submissions (3):

Women's Health and Genetics/Laboratory Corporation of America, LabCorp
Classification: Uncertain significance. Last evaluated: 2026-01-09. Review status: criteria provided, single submitter. Criteria: LabCorp Variant Classification Summary - May 2015. Collection method: clinical testing. Allele origin: germline.
Comment: Variant summary: IHH c.667G>A (p.Val223Met) results in a conservative amino acid change in the encoded protein sequence. Algorithms developed to predict the effect of missense changes on protein structure and function are either unavailable or do not agree on the potential impact of this missense change. The variant allele was found at a frequency of 8e-06 in 250282 control chromosomes. The available data on variant occurrences in the general population are insufficient to allow any conclusion about variant significance. To our knowledge, no occurrence of c.667G>A in individuals affected with IHH-related conditions and no experimental evidence demonstrating its impact on protein function have been reported. ClinVar contains an entry for this variant (Variation ID: 1464706). Based on the evidence outlined above, the variant was classified as uncertain significance.

CeGaT Center for Human Genetics Tuebingen
Classification: Uncertain significance. Last evaluated: 2024-01-01. Review status: criteria provided, single submitter. Criteria: CeGaT Center For Human Genetics Tuebingen Variant Classification Criteria Version 2. Collection method: clinical testing. Allele origin: germline. Affected: yes. Observed: 1 variant allele.
Comment: IHH: PM2, PM3:Supporting

Labcorp Genetics (formerly Invitae), Labcorp
Classification: Uncertain significance. Last evaluated: 2022-07-19. Review status: criteria provided, single submitter. Criteria: Invitae Variant Classification Sherloc (09022015). Collection method: clinical testing. Allele origin: germline.
Comment: ClinVar contains an entry for this variant (Variation ID: 1464706). This variant has not been reported in the literature in individuals affected with IHH-related conditions. This variant is present in population databases (rs778251745, gnomAD 0.003%). This sequence change replaces valine, which is neutral and non-polar, with methionine, which is neutral and non-polar, at codon 223 of the IHH protein (p.Val223Met). In summary, the available evidence is currently insufficient to determine the role of this variant in disease. Therefore, it has been classified as a Variant of Uncertain Significance. Algorithms developed to predict the effect of missense changes on protein structure and function are either unavailable or do not agree on the potential impact of this missense change (SIFT: "Deleterious"; PolyPhen-2: "Benign"; Align-GVGD: "Class C0").

NM_002181.4(IHH):c.667G>A (p.Val223Met)

Gene: IHH (Indian hedgehog signaling molecule; minus strand). Cytogenetic location: 2q35.
Variant type: single nucleotide variant.
Coding change: c.667G>A on transcript NM_002181.4 (MANE Select); coding-DNA position 667, G replaced by A.
Protein change: p.Val223Met; replaces valine 223 with methionine.
Molecular consequence: missense variant.
Genome position (GRCh38, 1-based): chr2:219,055,776, C>T on the plus strand (G>A on the coding strand, the complement: IHH is on the minus strand). VCF-style: chr2-219055776-C-T. GRCh37 (hg19) VCF-style: chr2-219920498-C-T.
Other names: short protein forms V223M.
Identifiers: ClinVar variation 1464706 (VCV001464706.29), dbSNP rs778251745, ClinGen allele CA2116638.